The following is an entry in ClinVar:

NM_003632.3(CNTNAP1):c.2695C>T (p.Arg899Trp)

Gene: CNTNAP1 (contactin associated protein 1; plus strand). Cytogenetic location: 17q21.2.
Variant type: single nucleotide variant.
Coding change: c.2695C>T on transcript NM_003632.3 (MANE Select); coding-DNA position 2695, C replaced by T.
Protein change: p.Arg899Trp; replaces arginine 899 with tryptophan.
Molecular consequence: missense variant.
Genome position (GRCh38, 1-based): chr17:42,692,663, C>T. VCF-style: chr17-42692663-C-T. GRCh37 (hg19) VCF-style: chr17-40844681-C-T.
Other names: short protein forms R899W.
Identifiers: ClinVar variation 1525666 (VCV001525666.5), dbSNP rs775340803, ClinGen allele CA8582119.

ClinVar aggregate classification (germline): Uncertain significance (1 of 4 stars; one submission).

Allele frequency attached by ClinVar (database versions not stated): gnomAD 0.00001; TOPMed 0.00001; ExAC 0.00002; gnomAD exomes 0.00003.
gnomAD v4.1: 28 of 1,614,042 alleles (0.0017%); highest among the groups gnomAD compares: South Asian, 0.0033%; no homozygotes.

Submission:

Labcorp Genetics (formerly Invitae), Labcorp
Classification: Uncertain significance. Last evaluated: 2022-06-04. Review status: criteria provided, single submitter. Criteria: Invitae Variant Classification Sherloc (09022015). Collection method: clinical testing. Allele origin: germline.
Comment: This sequence change replaces arginine, which is basic and polar, with tryptophan, which is neutral and slightly polar, at codon 899 of the CNTNAP1 protein (p.Arg899Trp). This variant is present in population databases (rs775340803, gnomAD 0.01%). This variant has not been reported in the literature in individuals affected with CNTNAP1-related conditions. ClinVar contains an entry for this variant (Variation ID: 1525666). Algorithms developed to predict the effect of missense changes on protein structure and function (SIFT, PolyPhen-2, Align-GVGD) all suggest that this variant is likely to be disruptive. In summary, the available evidence is currently insufficient to determine the role of this variant in disease. Therefore, it has been classified as a Variant of Uncertain Significance.